The following is an entry in ClinVar:

ClinVar aggregate classification (germline): Uncertain significance (1 of 4 stars; one submission).

Conditions:
Primary ciliary dyskinesia 6. Also called: Primary Ciliary Dyskinesia 6: TXNDC3-Related Primary Ciliary Dyskinesia. Identifiers: Orphanet 244, MedGen C1970506, MONDO:0012571, OMIM 610852.

Submission:

Labcorp Genetics (formerly Invitae), Labcorp
Classification: Uncertain significance for Primary ciliary dyskinesia 6. Last evaluated: 2016-03-08. Review status: criteria provided, single submitter. Criteria: Invitae Variant Classification Sherloc (09022015). Collection method: clinical testing. Allele origin: germline.
Comment: This variant is a gross duplication of the genomic region encompassing exons 16-17 of the NME8 gene. The 5' boundary is likely confined to intron 15. The 3' end of this event is unknown as it extends beyond the assayed region for this gene and therefore may encompass additional genes. This variant has not been reported in the literature in individuals with a NME8-related disease. In summary, the genomic location of this variant is unknown and the impact of this duplication on NME8 protein function has not been established. Therefore, it has been classified as a Variant of Unknown Significance.

NM_016616.4(NME8):c.1400-?_*15+?dup

Gene: NME8 (NME/NM23 family member 8; plus strand).
Variant type: Duplication.
Coding change: c.1400-?_*15+?dup on transcript NM_016616.4.
Identifiers: ClinVar variation 241111 (VCV000241111.1).